The following is an entry in ClinVar:

ClinVar aggregate classification (germline): Benign (0 of 4 stars; one submission).

Conditions:
CD93-related disorder. Also called: CD93-related condition.

Allele frequency attached by ClinVar (database versions not stated): ExAC 0.00203.

Submission:

PreventionGenetics, part of Exact Sciences
Classification: Benign for CD93-related condition. Last evaluated: 2023-06-02. Review status: no assertion criteria provided. Collection method: clinical testing. Allele origin: germline.
Comment: This variant is classified as benign based on ACMG/AMP sequence variant interpretation guidelines (Richards et al. 2015 PMID: 25741868, with internal and published modifications).

NM_012072.4(CD93):c.350T>G (p.Val117Gly)

Gene: CD93 (CD93 molecule; minus strand). Cytogenetic location: 20p11.21.
Variant type: single nucleotide variant.
Coding change: c.350T>G on transcript NM_012072.4 (MANE Select); coding-DNA position 350, T replaced by G.
Protein change: p.Val117Gly; replaces valine 117 with glycine.
Molecular consequence: missense variant.
Genome position (GRCh38, 1-based): chr20:23,085,843, A>C on the plus strand (T>G on the coding strand, the complement: CD93 is on the minus strand). VCF-style: chr20-23085843-A-C. GRCh37 (hg19) VCF-style: chr20-23066480-A-C.
Other names: short protein forms V117G.
Identifiers: ClinVar variation 3034758 (VCV003034758.2), dbSNP rs781389958, ClinGen allele CA9788296.